The following is an entry in ClinVar:

ClinVar aggregate classification (germline): Pathogenic/Likely pathogenic. Review status: criteria provided, multiple submitters, no conflicts (2 of 4 stars). 6 submissions from 6 submitters: Pathogenic (4); Likely pathogenic (2). Last evaluated 2026-01-19.

Conditions:
Autosomal recessive spinocerebellar ataxia 10. Identifiers: Orphanet 284289, MedGen C3150998, MONDO:0013392, OMIM 613728.

Allele frequency attached by ClinVar (database versions not stated): gnomAD exomes below 0.00001; TOPMed below 0.00001; gnomAD 0.00001.
gnomAD v4.1: 3 of 1,612,898 alleles (0.00019%); highest among the groups gnomAD compares: Non-Finnish European, 0.00025%; no homozygotes.

Submissions (6):

Labcorp Genetics (formerly Invitae), Labcorp
Classification: Pathogenic. Last evaluated: 2026-01-19. Review status: criteria provided, single submitter. Criteria: Invitae Variant Classification Sherloc (09022015). Collection method: clinical testing. Allele origin: germline.
Comment: This sequence change falls in intron 6 of the ANO10 gene. It does not directly change the encoded amino acid sequence of the ANO10 protein. RNA analysis indicates that this variant induces altered splicing and may result in an absent or altered protein product. This variant is present in population databases (no rsID available, gnomAD 0.002%). This variant has been observed in individual(s) with spinocerebellar ataxia (PMID: 36698452). ClinVar contains an entry for this variant (Variation ID: 1064587). Studies have shown that this variant alters ANO10 gene expression (PMID: 36698452). Studies have shown that this variant results in skipping of exon 7 and activation of a cryptic splice site, and produces a non-functional protein and/or introduces a premature termination codon (PMID: 36698452). For these reasons, this variant has been classified as Pathogenic.

Myriad Genetics, Inc.
Classification: Pathogenic for Autosomal recessive spinocerebellar ataxia 10. Last evaluated: 2025-08-01. Review status: criteria provided, single submitter. Criteria: Myriad Autosomal Dominant, Autosomal Recessive and X-Linked Classification Criteria (2023). Collection method: clinical testing. Allele origin: unknown.
Comment: NM_018075.3(ANO10):c.1163-9A>G is an intronic variant classified as pathogenic in the context of spinocerebellar ataxia, ANO10-related. c.1163-9A>G has been observed in cases with relevant disease (PMID: 36698452). Relevant functional assessments of this variant are available in the literature (PMID: 36698452). c.1163-9A>G has been observed in referenced population frequency databases. In summary, NM_018075.3(ANO10):c.1163-9A>G is an intronic variant that has functional support for pathogenicity and has been observed more frequently in cases with the relevant disease than in healthy populations. Please note: this variant was assessed in the context of healthy population screening.

GeneDx
Classification: Pathogenic. Last evaluated: 2024-09-24. Review status: criteria provided, single submitter. Criteria: GeneDx Variant Classification Process June 2021. Collection method: clinical testing. Allele origin: germline. Affected: yes.
Comment: Non-canonical splice site variant demonstrated to result in loss of function (PMID: 34906502, 36698452); Not observed at significant frequency in large population cohorts (gnomAD); This variant is associated with the following publications: (PMID: 35648332, 36698452, 34906502, Rudaks2024[CaseReport], Rafehi2024[CaseReport])

Fulgent Genetics
Classification: Likely pathogenic for Autosomal recessive spinocerebellar ataxia 10. Last evaluated: 2024-01-22. Review status: criteria provided, single submitter. Criteria: ACMG Guidelines, 2015. Collection method: clinical testing. Allele origin: germline.

Revvity Omics, Revvity
Classification: Likely pathogenic for Autosomal recessive spinocerebellar ataxia 10. Last evaluated: 2022-10-07. Review status: criteria provided, single submitter. Criteria: ACMG Guidelines, 2015. Collection method: clinical testing. Allele origin: germline.

Kids Neuroscience Centre, Sydney Children's Hospitals Network
Classification: Pathogenic for Autosomal recessive spinocerebellar ataxia 10. Review status: criteria provided, single submitter. Criteria: Bournazos AM et al. (Genet Med 2021). Collection method: clinical testing. Allele origin: unknown. Inheritance: Autosomal recessive inheritance. Affected: yes. Observed: 1 homozygote.
Comment: A homozygous splicing variant identified in intron 6 of ANO10 results in aberrant splicing. Each abnormal splicing event detected leads to a frameshift and premature truncation of the anoctamin-10 protein. No normally-spliced transcripts were detected. The homozygous ANO10 c.1163-9A>G variant studied may induce other splicing outcomes not detected effectively by approaches used. mRNA studies support the ANO10 c.1163-9A>G variant as a likely pathogenic variant. Autosomal recessive variants in ANO10 are consistent with the phenotype of cerebellar ataxia.

Literature cited by the submitters: PubMed 36698452 (cited by Labcorp Genetics (formerly Invitae), Labcorp and Myriad Genetics, Inc.).

NM_018075.5(ANO10):c.1163-9A>G

Gene: ANO10 (anoctamin 10; minus strand). Cytogenetic location: 3p22.1.
Variant type: single nucleotide variant.
Coding change: c.1163-9A>G on transcript NM_018075.5 (MANE Select); 9 bases into the intron before coding-DNA position 1163, A replaced by G.
Molecular consequence: intron variant.
Genome position (GRCh38, 1-based): chr3:43,574,873, T>C on the plus strand (A>G on the coding strand, the complement: ANO10 is on the minus strand). VCF-style: chr3-43574873-T-C. GRCh37 (hg19) VCF-style: chr3-43616365-T-C.
Other names: c.965-9A>G (NM_001346469.2, NM_001204832.3, NM_001346466.2); c.1163-9A>G (NM_001346468.2, NM_001346465.2, NM_001204831.3 and 3 more transcripts); c.830-9A>G (NM_001204833.3); c.593-9A>G (NM_001204834.3).
Identifiers: ClinVar variation 1064587 (VCV001064587.10), dbSNP rs1368543726, ClinGen allele CA542620426.